The following is an entry in ClinVar:

ClinVar aggregate classification (germline): Uncertain significance (1 of 4 stars; one submission).

Allele frequency attached by ClinVar (database versions not stated): gnomAD exomes below 0.00001; TOPMed below 0.00001; gnomAD 0.00001.
gnomAD v4.1: 2 of 1,611,058 alleles (0.00012%); highest among the groups gnomAD compares: Non-Finnish European, 0.00017%; no homozygotes.

Submission:

Labcorp Genetics (formerly Invitae), Labcorp
Classification: Uncertain significance. Last evaluated: 2022-12-10. Review status: criteria provided, single submitter. Criteria: Invitae Variant Classification Sherloc (09022015). Collection method: clinical testing. Allele origin: germline.
Comment: In summary, the available evidence is currently insufficient to determine the role of this variant in disease. Therefore, it has been classified as a Variant of Uncertain Significance. Advanced modeling of protein sequence and biophysical properties (such as structural, functional, and spatial information, amino acid conservation, physicochemical variation, residue mobility, and thermodynamic stability) performed at Invitae indicates that this missense variant is not expected to disrupt VAC14 protein function. This variant has not been reported in the literature in individuals affected with VAC14-related conditions. This variant is present in population databases (no rsID available, gnomAD 0.0009%). This sequence change replaces isoleucine, which is neutral and non-polar, with threonine, which is neutral and polar, at codon 694 of the VAC14 protein (p.Ile694Thr).

NM_018052.5(VAC14):c.2081T>C (p.Ile694Thr)

Gene: VAC14 (VAC14 component of PIKFYVE complex; minus strand). Cytogenetic location: 16q22.1.
Variant type: single nucleotide variant.
Coding change: c.2081T>C on transcript NM_018052.5 (MANE Select); coding-DNA position 2081, T replaced by C.
Protein change: p.Ile694Thr; replaces isoleucine 694 with threonine.
Molecular consequence: missense variant.
Genome position (GRCh38, 1-based): chr16:70,692,926, A>G on the plus strand (T>C on the coding strand, the complement: VAC14 is on the minus strand). VCF-style: chr16-70692926-A-G. GRCh37 (hg19) VCF-style: chr16-70726829-A-G.
Other names: c.1379T>C, p.Ile460Thr (NM_001351157.2); short protein forms I694T, I460T.
Identifiers: ClinVar variation 2998231 (VCV002998231.3), dbSNP rs967108185, ClinGen allele CA283478639.